The following is an entry in ClinVar:

NM_000093.5(COL5A1):c.2564C>G (p.Pro855Arg)

Gene: COL5A1 (collagen type V alpha 1 chain; plus strand). Cytogenetic location: 9q34.3.
Variant type: single nucleotide variant.
Coding change: c.2564C>G on transcript NM_000093.5 (MANE Select); coding-DNA position 2564, C replaced by G.
Protein change: p.Pro855Arg; replaces proline 855 with arginine.
Molecular consequence: missense variant.
Genome position (GRCh38, 1-based): chr9:134,785,068, C>G. VCF-style: chr9-134785068-C-G. GRCh37 (hg19) VCF-style: chr9-137676914-C-G.
Other names: p.P855R:CCC>CGC; p.Pro855Arg; c.2564C>G, p.Pro855Arg (NM_001278074.1); short protein forms P855R.
Identifiers: ClinVar variation 212950 (VCV000212950.30), dbSNP rs150539264, ClinGen allele CA323693.

ClinVar aggregate classification (germline): Conflicting classifications of pathogenicity. Review status: criteria provided, conflicting classifications (1 of 4 stars). 9 submissions from 9 submitters: Uncertain significance (1); Likely benign (7). 1 of the submissions does not count toward it. Last evaluated 2026-03-01.

Conditions:
Ehlers-Danlos syndrome, classic type, 1 (EDSCL1). Also called: EHLERS-DANLOS SYNDROME, GRAVIS TYPE; EHLERS-DANLOS SYNDROME, SEVERE CLASSIC TYPE; Ehlers-Danlos syndrome, type 1; Ehlers-Danlos Syndrome, Classic Type, COL5A1-Related; EDS I. Identifiers: MedGen C0268335, MONDO:0019567, OMIM 130000.
COL5A1-related disorder. Also called: COL5A1-related condition.
Familial thoracic aortic aneurysm and aortic dissection (TAAD). Also called: Thoracic aortic aneurysms and dissections. Identifiers: Orphanet 91387, MedGen C4707243, MONDO:0019625.
Ehlers-Danlos syndrome, classic type (cEDS). Identifiers: Orphanet 287, MedGen C4225429, MONDO:0007522.

Allele frequency attached by ClinVar (database versions not stated): ESP Exome Variant Server 0.00023; ExAC 0.00029; 1000 Genomes Project 0.00040; gnomAD 0.00040 and 0.00061; 1000 Genomes Project 30x 0.00062; TOPMed 0.00072.
gnomAD v4.1: 299 of 1,613,342 alleles (0.019%); highest among the groups gnomAD compares: Admixed American, 0.1%; 2 homozygotes.

Submissions (9):

CeGaT Center for Human Genetics Tuebingen
Classification: Likely benign. Last evaluated: 2026-03-01. Review status: criteria provided, single submitter. Criteria: CeGaT Center For Human Genetics Tuebingen Variant Classification Criteria Version 2. Collection method: clinical testing. Allele origin: germline. Affected: yes. Observed: 1 variant allele.
Comment: COL5A1: BS1

Labcorp Genetics (formerly Invitae), Labcorp
Classification: Likely benign for Ehlers-Danlos syndrome, classic type, 1. Last evaluated: 2026-01-08. Review status: criteria provided, single submitter. Criteria: Invitae Variant Classification Sherloc (09022015). Collection method: clinical testing. Allele origin: germline.

Women's Health and Genetics/Laboratory Corporation of America, LabCorp
Classification: Likely benign. Last evaluated: 2025-10-03. Review status: criteria provided, single submitter. Criteria: LabCorp Variant Classification Summary - May 2015. Collection method: clinical testing. Allele origin: germline.
Comment: Variant summary: COL5A1 c.2564C>G (p.Pro855Arg) results in a non-conservative amino acid change in the encoded protein sequence. Algorithms developed to predict the effect of missense changes on protein structure and function are either unavailable or do not agree on the potential impact of this missense change. The variant allele was found at a frequency of 0.00029 in 249792 control chromosomes in the gnomAD database, including 1 homozygote. The observed variant frequency exceeds the estimated maximal expected allele frequency for disease-causing variants in COL5A1. c.2564C>G has been observed in at least one individual affected with keratoconus and one unaffected control individual (e.g. Fransen_2021). These report(s) do not provide unequivocal conclusions about association of the variant with Ehlers-Danlos Syndrome, Classic Type, 1. To our knowledge, no experimental evidence demonstrating an impact on protein function has been reported. The following publication has been ascertained in the context of this evaluation (PMID: 33737726). ClinVar contains an entry for this variant (Variation ID: 212950). Based on the evidence outlined above, the variant was classified as likely benign.

Mayo Clinic Laboratories, Mayo Clinic
Classification: Likely benign. Last evaluated: 2025-03-25. Review status: criteria provided, single submitter. Criteria: ACMG Guidelines, 2015. Collection method: clinical testing. Allele origin: germline. Observed: 6 variant alleles.
Comment: BS1

Blueprint Genetics
Classification: Likely benign. Last evaluated: 2024-11-27. Review status: criteria provided, single submitter. Criteria: ACMG Guidelines, 2015. Collection method: clinical testing. Allele origin: germline.

Ambry Genetics
Classification: Likely benign for Familial thoracic aortic aneurysm and aortic dissection. Last evaluated: 2020-01-24. Review status: criteria provided, single submitter. Criteria: Ambry Variant Classification Scheme 2023. Collection method: clinical testing. Allele origin: germline.

GeneDx
Classification: Uncertain significance. Last evaluated: 2018-09-13. Review status: criteria provided, single submitter. Criteria: GeneDx Variant Classification (06012015). Collection method: clinical testing. Allele origin: germline. Affected: yes.
Comment: The P855R variant of uncertain significance in the COL5A1 gene has not been published as pathogenic or been reported as benign to our knowledge. The P855R variant is a non-conservative amino acid substitution, which is likely to impact secondary protein structure as these residues differ in polarity, charge, size and/or other properties. In-silico analyses, including protein predictors and evolutionary conservation, support a deleterious effect. Nevertheless, while the P855R variant occurs within the triple helical region of the COL5A1 gene, it does not affect a Glycine residue in a Gly-X-Y motif, where the majority of pathogenic missense variants occur (Stenson et al., 2014; Symoens et al., 2012). Finally, this variant is observed in 0.02%-0.09% alleles across ethnic groups, including one homozygous individual, in large population cohorts (Lek et al., 2016), indicating it may be a rare benign variant. Therefore, based on the currently available information, it is unclear whether this variant is pathogenic or rare benign.

Illumina Laboratory Services, Illumina
Classification: Likely benign for Ehlers-Danlos syndrome, classic type, 1. Last evaluated: 2018-01-12. Review status: criteria provided, single submitter. Criteria: ICSL Variant Classification Criteria 13 December 2019. Collection method: clinical testing. Allele origin: germline.
Comment: This variant was observed in the ICSL laboratory as part of a predisposition screen in an ostensibly healthy population. It had not been previously curated by ICSL or reported in the Human Gene Mutation Database (HGMD: prior to June 1st, 2018), and was therefore a candidate for classification through an automated scoring system. Utilizing variant allele frequency, disease prevalence and penetrance estimates, and inheritance mode, an automated score was calculated to assess if this variant is too frequent to cause the disease. Based on the score and internal cut-off values, a variant classified as likely benign is not then subjected to further curation. The score for this variant resulted in a classification of likely benign for this disease.

PreventionGenetics, part of Exact Sciences
Classification: Likely benign for COL5A1-related condition. Last evaluated: 2023-04-12. Review status: no assertion criteria provided. Collection method: clinical testing. Allele origin: germline. Not counted in ClinVar's aggregate classification.
Comment: This variant is classified as likely benign based on ACMG/AMP sequence variant interpretation guidelines (Richards et al. 2015 PMID: 25741868, with internal and published modifications).

Literature cited by the submitters: PubMed 33737726 (cited by Women's Health and Genetics/Laboratory Corporation of America, LabCorp).